The following is an entry in ClinVar:

NM_005228.5(EGFR):c.3289G>A (p.Val1097Ile)

Gene: EGFR (epidermal growth factor receptor; plus strand). Cytogenetic location: 7p11.2.
Variant type: single nucleotide variant.
Coding change: c.3289G>A on transcript NM_005228.5 (MANE Select); coding-DNA position 3289, G replaced by A.
Protein change: p.Val1097Ile; replaces valine 1097 with isoleucine.
Molecular consequence: missense variant.
Genome position (GRCh38, 1-based): chr7:55,205,273, G>A. VCF-style: chr7-55205273-G-A. GRCh37 (hg19) VCF-style: chr7-55272966-G-A.
Other names: c.3154G>A, p.Val1052Ile (NM_001346899.2); c.3130G>A, p.Val1044Ile (NM_001346900.2); c.2488G>A, p.Val830Ile (NM_001346941.2); short protein forms V1044I, V830I, V1052I, V1097I.
Identifiers: ClinVar variation 850439 (VCV000850439.8), dbSNP rs775345513, ClinGen allele CA4266371.

ClinVar aggregate classification (germline): Conflicting classifications of pathogenicity. Review status: criteria provided, conflicting classifications (1 of 4 stars). 2 submissions from 2 submitters: Uncertain significance (1); Likely benign (1). Last evaluated 2025-11-03.

Conditions:
EGFR-related lung cancer (EGFR). Identifiers: MedGen CN130014.
Hereditary cancer-predisposing syndrome. Also called: Tumor predisposition; Neoplastic Syndromes, Hereditary; Hereditary neoplastic syndrome; Hereditary Cancer Syndrome. Identifiers: Orphanet 140162, MedGen C0027672, MeSH D009386, MONDO:0015356.

Allele frequency attached by ClinVar (database versions not stated): ExAC 0.00002; gnomAD 0.00005 and 0.00006; TOPMed 0.00007.
gnomAD v4.1: 20 of 1,612,968 alleles (0.0012%); highest among the groups gnomAD compares: African/African-American, 0.012%; no homozygotes.

Submissions (2):

Labcorp Genetics (formerly Invitae), Labcorp
Classification: Uncertain significance for EGFR-related lung cancer. Last evaluated: 2025-11-03. Review status: criteria provided, single submitter. Criteria: Invitae Variant Classification Sherloc (09022015). Collection method: clinical testing. Allele origin: germline.
Comment: This sequence change replaces valine, which is neutral and non-polar, with isoleucine, which is neutral and non-polar, at codon 1097 of the EGFR protein (p.Val1097Ile). This variant is present in population databases (rs775345513, gnomAD 0.008%). This variant has not been reported in the literature in individuals affected with EGFR-related conditions. ClinVar contains an entry for this variant (Variation ID: 850439). An algorithm developed to predict the effect of missense changes on protein structure and function outputs the following: PolyPhen-2: "Benign". The isoleucine amino acid residue is found in multiple mammalian species, which suggests that this missense change does not adversely affect protein function. In summary, the available evidence is currently insufficient to determine the role of this variant in disease. Therefore, it has been classified as a Variant of Uncertain Significance.

Ambry Genetics
Classification: Likely benign for Hereditary cancer-predisposing syndrome. Last evaluated: 2024-12-12. Review status: criteria provided, single submitter. Criteria: Ambry Variant Classification Scheme 2023. Collection method: clinical testing. Allele origin: germline.